The following is an entry in ClinVar:

NM_012330.4(KAT6B):c.83C>G (p.Ser28Cys)

Gene: KAT6B (lysine acetyltransferase 6B; plus strand). Cytogenetic location: 10q22.2.
Variant type: single nucleotide variant.
Coding change: c.83C>G on transcript NM_012330.4 (MANE Select); coding-DNA position 83, C replaced by G.
Protein change: p.Ser28Cys; replaces serine 28 with cysteine.
Molecular consequence: missense variant. On other transcripts: 5 prime UTR variant (2).
Genome position (GRCh38, 1-based): chr10:74,842,940, C>G. VCF-style: chr10-74842940-C-G. GRCh37 (hg19) VCF-style: chr10-76602698-C-G.
Other names: c.83C>G, p.Ser28Cys (NM_001256468.2, NM_001256469.2, NM_001370132.1 and 10 more transcripts); c.-456C>G (NM_001370134.1, NM_001370135.1); short protein forms S28C.
Identifiers: ClinVar variation 4085927 (VCV004085927.8).

ClinVar aggregate classification (germline): Uncertain significance (1 of 4 stars; one submission).

Submission:

CeGaT Center for Human Genetics Tuebingen
Classification: Uncertain significance. Last evaluated: 2025-08-01. Review status: criteria provided, single submitter. Criteria: CeGaT Center For Human Genetics Tuebingen Variant Classification Criteria Version 2. Collection method: clinical testing. Allele origin: germline. Affected: yes. Observed: 1 variant allele.
Comment: KAT6B: PM2, PP3, PS2:Supporting